The following is an entry in ClinVar:

ClinVar aggregate classification (germline): Pathogenic (1 of 4 stars; one submission).

Conditions:
Donnai-Barrow syndrome. Also called: DBS/FOAR SYNDROME; FACIOOCULOACOUSTICORENAL SYNDROME. Identifiers: Orphanet 2143, MedGen C1857277, MONDO:0009104, OMIM 222448.

gnomAD v4.1: 2 of 1,614,070 alleles (0.00012%); highest among the groups gnomAD compares: Non-Finnish European, 0.00017%; no homozygotes.

Submission:

Myriad Genetics, Inc.
Classification: Pathogenic for Donnai-Barrow syndrome. Last evaluated: 2025-06-30. Review status: criteria provided, single submitter. Criteria: Myriad Autosomal Dominant, Autosomal Recessive and X-Linked Classification Criteria (2023). Collection method: clinical testing. Allele origin: unknown.
Comment: NM_004525.2(LRP2):c.2812C>T(R938*) is expected to be pathogenic in the context of Donnai-Barrow syndrome. This variant is predicted to lead to an abnormal or absent protein product due to the creation of a premature termination codon in LRP2, a gene where loss-of-function variants are known to be pathogenic. Please note: this variant was assessed in the context of healthy population screening.

NM_004525.3(LRP2):c.2812C>T (p.Arg938Ter)

Gene: LRP2 (LDL receptor related protein 2; minus strand). Cytogenetic location: 2q31.1.
Variant type: single nucleotide variant.
Coding change: c.2812C>T on transcript NM_004525.3 (MANE Select); coding-DNA position 2812, C replaced by T.
Protein change: p.Arg938Ter; replaces arginine 938 with a stop codon.
Molecular consequence: nonsense.
Genome position (GRCh38, 1-based): chr2:169,247,474, G>A on the plus strand (C>T on the coding strand, the complement: LRP2 is on the minus strand). VCF-style: chr2-169247474-G-A. GRCh37 (hg19) VCF-style: chr2-170103984-G-A.
Other names: short protein forms R938*.
Identifiers: ClinVar variation 5014663 (VCV005014663.1).